The following is an entry in ClinVar:

NM_020791.4(TAOK1):c.1819C>T (p.Gln607Ter)

Gene: TAOK1 (TAO kinase 1; plus strand). Cytogenetic location: 17q11.2.
Variant type: single nucleotide variant.
Coding change: c.1819C>T on transcript NM_020791.4 (MANE Select); coding-DNA position 1819, C replaced by T.
Protein change: p.Gln607Ter; replaces glutamine 607 with a stop codon.
Molecular consequence: nonsense. On other transcripts: intron variant (1).
Genome position (GRCh38, 1-based): chr17:29,517,567, C>T. VCF-style: chr17-29517567-C-T. GRCh37 (hg19) VCF-style: chr17-27844585-C-T.
Other names: c.1704+6575C>T (NM_025142.1); short protein forms Q607*.
Identifiers: ClinVar variation 3677155 (VCV003677155.2).
Genomic context (GRCh38, chr17:29,517,567, plus strand): 5'-AAGCAGAAGGAGAATATACAGCATTTCCAAGCAGAAGAAGAAGCTAACCTTCTTCGACGT[C>T]AAAGACAATACCTAGAGCTGGAATGCCGTCGCTTCAAGAGAAGAATGTTACTTGGGCGTC-3'

ClinVar aggregate classification (germline): Pathogenic (1 of 4 stars; one submission).

Submission:

Labcorp Genetics (formerly Invitae), Labcorp
Classification: Pathogenic. Last evaluated: 2024-11-24. Review status: criteria provided, single submitter. Criteria: Invitae Variant Classification Sherloc (09022015). Collection method: clinical testing. Allele origin: germline.
Comment: This sequence change creates a premature translational stop signal (p.Gln607*) in the TAOK1 gene. It is expected to result in an absent or disrupted protein product. Loss-of-function variants in TAOK1 are known to be pathogenic (PMID: 33565190). This variant is not present in population databases (gnomAD no frequency). This premature translational stop signal has been observed in individual(s) with TAOK1-related conditions (PMID: 33565190). In at least one individual the variant was observed to be de novo. For these reasons, this variant has been classified as Pathogenic.

Literature cited by the submitters: PubMed 33565190.